The following is an entry in ClinVar:

NM_001036.6(RYR3):c.4574G>A (p.Cys1525Tyr)

Gene: RYR3 (ryanodine receptor 3; plus strand). Cytogenetic location: 15q14.
Variant type: single nucleotide variant.
Coding change: c.4574G>A on transcript NM_001036.6 (MANE Select); coding-DNA position 4574, G replaced by A.
Protein change: p.Cys1525Tyr; replaces cysteine 1525 with tyrosine.
Molecular consequence: missense variant.
Genome position (GRCh38, 1-based): chr15:33,660,375, G>A. VCF-style: chr15-33660375-G-A. GRCh37 (hg19) VCF-style: chr15-33952576-G-A.
Other names: c.4574G>A, p.Cys1525Tyr (NM_001243996.4); c.4574G>A (NM_001036.3); short protein forms C1525Y.
Identifiers: ClinVar variation 530964 (VCV000530964.9), dbSNP rs750872747, ClinGen allele CA7459047.

ClinVar aggregate classification (germline): Uncertain significance. Review status: criteria provided, multiple submitters, no conflicts (2 of 4 stars). 2 submissions from 2 submitters: Uncertain significance (2). Last evaluated 2024-05-26.

Conditions:
Epileptic encephalopathy. Identifiers: MedGen C0543888, HP:0200134.

Allele frequency attached by ClinVar (database versions not stated): TOPMed 0.00002; gnomAD exomes 0.00002 and 0.00001; gnomAD 0.00001; ExAC below 0.00001.
gnomAD v4.1: 10 of 1,587,096 alleles (0.00063%); highest among the groups gnomAD compares: East Asian, 0.021%; no homozygotes.

Submissions (2):

Ambry Genetics
Classification: Uncertain significance. Last evaluated: 2024-05-26. Review status: criteria provided, single submitter. Criteria: Ambry Variant Classification Scheme 2023. Collection method: clinical testing. Allele origin: germline.

Labcorp Genetics (formerly Invitae), Labcorp
Classification: Uncertain significance for Epileptic encephalopathy. Last evaluated: 2020-03-07. Review status: criteria provided, single submitter. Criteria: Invitae Variant Classification Sherloc (09022015). Collection method: clinical testing. Allele origin: germline.
Comment: The frequency data for this variant in the population databases is considered unreliable, as metrics indicate poor data quality at this position in the ExAC database. This variant has not been reported in the literature in individuals with RYR3-related disease. Algorithms developed to predict the effect of missense changes on protein structure and function (SIFT, PolyPhen-2, Align-GVGD) all suggest that this variant is likely to be disruptive, but these predictions have not been confirmed by published functional studies and their clinical significance is uncertain. In summary, the available evidence is currently insufficient to determine the role of this variant in disease. Therefore, it has been classified as a Variant of Uncertain Significance. This sequence change replaces cysteine with tyrosine at codon 1525 of the RYR3 protein (p.Cys1525Tyr). The cysteine residue is highly conserved and there is a large physicochemical difference between cysteine and tyrosine.